The following is an entry in ClinVar:

ClinVar aggregate classification (germline): Benign. Review status: criteria provided, multiple submitters, no conflicts (2 of 4 stars). 3 submissions from 3 submitters: Benign (3). Last evaluated 2026-01-26.

Allele frequency attached by ClinVar (database versions not stated): gnomAD exomes 0.00233; ExAC 0.00266; gnomAD 0.00694 and 0.00754; 1000 Genomes Project 0.00739; 1000 Genomes Project 30x 0.00750; ESP Exome Variant Server 0.00807; TOPMed 0.00817.
gnomAD v4.1: 2,549 of 1,608,976 alleles (0.16%); highest among the groups gnomAD compares: African/African-American, 2.4%; 29 homozygotes.

Submissions (3):

Labcorp Genetics (formerly Invitae), Labcorp
Classification: Benign. Last evaluated: 2026-01-26. Review status: criteria provided, single submitter. Criteria: Invitae Variant Classification Sherloc (09022015). Collection method: clinical testing. Allele origin: germline.

Mayo Clinic Laboratories, Mayo Clinic
Classification: Benign. Last evaluated: 2024-10-21. Review status: criteria provided, single submitter. Criteria: ACMG Guidelines, 2015. Collection method: clinical testing. Allele origin: germline. Observed: 2 variant alleles.
Comment: BA1

Breakthrough Genomics
Classification: Benign. Review status: criteria provided, single submitter. Criteria: ACMG Guidelines, 2015. Collection method: not provided. Allele origin: germline. Inheritance: Autosomal recessive inheritance. Affected: yes.

NM_000097.7(CPOX):c.1172+17C>T

Gene: CPOX (coproporphyrinogen oxidase; minus strand). Cytogenetic location: 3q11.2.
Variant type: single nucleotide variant.
Coding change: c.1172+17C>T on transcript NM_000097.7 (MANE Select); 17 bases into the intron after coding-DNA position 1172, C replaced by T.
Molecular consequence: intron variant.
Genome position (GRCh38, 1-based): chr3:98,585,424, G>A on the plus strand (C>T on the coding strand, the complement: CPOX is on the minus strand). VCF-style: chr3-98585424-G-A. GRCh37 (hg19) VCF-style: chr3-98304268-G-A.
Other names: p.?.
Identifiers: ClinVar variation 1601251 (VCV001601251.10), dbSNP rs140055617, ClinGen allele CA2511504.